The following is an entry in ClinVar:

NM_000089.4(COL1A2):c.2042_2059del (p.Val681_Pro686del)

Gene: COL1A2 (collagen type I alpha 2 chain; plus strand). Cytogenetic location: 7q21.3.
Variant type: Deletion.
Coding change: c.2042_2059del on transcript NM_000089.4 (MANE Select); coding-DNA positions 2042 to 2059, 18 bases deleted (TAGGTGCCCCTGGTCCTG).
Protein change: p.Val681_Pro686del.
Molecular consequence: inframe deletion.
Genome position (GRCh38, 1-based): chr7:94,419,514-94,419,531, TAGGTGCCCCTGGTCCTG deleted; deleting any 18 consecutive bases within chr7:94,419,511-94,419,531 gives the same sequence; the c. name uses the placement nearest the transcript's 3' end. VCF-style (leftmost placement, unchanged base first): chr7-94419510-GCTGTAGGTGCCCCTGGTC-G. GRCh37 (hg19) VCF-style: chr7-94048822-GCTGTAGGTGCCCCTGGTC-G.
Identifiers: ClinVar variation 2921084 (VCV002921084.1), dbSNP rs2484724006, ClinGen allele CA2739279045.

ClinVar aggregate classification (germline): Likely pathogenic (1 of 4 stars; one submission).

Submission:

ARUP Laboratories, Molecular Genetics and Genomics, ARUP Laboratories
Classification: Likely pathogenic. Last evaluated: 2023-09-14. Review status: criteria provided, single submitter. Criteria: ARUP Molecular Germline Variant Investigation Process 2024. Collection method: clinical testing. Allele origin: germline.
Comment: The COL1A2 c.2042_2059del; p.Val681_Pro686del variant, to our knowledge, is not reported in the medical literature or gene specific databases. This variant is also absent from the Genome Aggregation Database, indicating it is not a common polymorphism. This variant deletes seven amino acids leaving the rest of the protein in-frame. This variant disrupts the repeating Gly-X-Y sequence motif of the collagen triple helix, and in frame deletions and duplications of these regions have been found in individuals with osteogenesis imperfecta (Ben Amor 2011, Bodian 2009, Pace 2001). Based on available information, this variant is considered to be likely pathogenic. References: Ben Amor I et al. Genotype-phenotype correlations in autosomal dominant osteogenesis imperfecta. J Osteoporos. 2011; 2011:540178. PMID: 21912751. Bodian DL et al. Mutation and polymorphism spectrum in osteogenesis imperfecta type II: implications for genotype-phenotype relationships. Hum Mol Genet. 2009 Feb 1;18(3):463-71. Erratum in: Hum Mol Genet. 2009 May 15;18(10):1893-5. PMID: 18996919. Pace JM et al. Deletions and duplications of Gly-Xaa-Yaa triplet repeats in the triple helical domains of type I collagen chains disrupt helix formation and result in several types of osteogenesis imperfecta. Hum Mutat. 2001 Oct;18(4):319-26. PMID: 11668615.